The following is an entry in ClinVar:

NM_024529.5(CDC73):c.423+5A>G

Gene: CDC73 (cell division cycle 73; plus strand). Cytogenetic location: 1q31.2.
Variant type: single nucleotide variant.
Coding change: c.423+5A>G on transcript NM_024529.5 (MANE Select); 5 bases into the intron after coding-DNA position 423, A replaced by G.
Molecular consequence: intron variant.
Genome position (GRCh38, 1-based): chr1:193,135,594, A>G. VCF-style: chr1-193135594-A-G. GRCh37 (hg19) VCF-style: chr1-193104724-A-G.
Identifiers: ClinVar variation 1738905 (VCV001738905.3), dbSNP rs1382496236, ClinGen allele CA527710590.

ClinVar aggregate classification (germline): Uncertain significance (1 of 4 stars; one submission).

Conditions:
Hereditary cancer-predisposing syndrome. Also called: Hereditary Cancer Syndrome; Hereditary neoplastic syndrome; Neoplastic Syndromes, Hereditary; Tumor predisposition. Identifiers: Orphanet 140162, MedGen C0027672, MeSH D009386, MONDO:0015356.

Allele frequency attached by ClinVar (database versions not stated): gnomAD exomes below 0.00001.
gnomAD v4.1: 2 of 1,600,630 alleles (0.00012%); highest among the groups gnomAD compares: Non-Finnish European, 0.00017%; no homozygotes.

Submission:

Ambry Genetics
Classification: Uncertain significance for Hereditary cancer-predisposing syndrome. Last evaluated: 2025-07-23. Review status: criteria provided, single submitter. Criteria: Ambry Variant Classification Scheme 2023. Collection method: clinical testing. Allele origin: germline.
Comment: The c.423+5A>G intronic variant results from an A to G substitution 5 nucleotides after coding exon 5 in the CDC73 gene. This nucleotide position is poorly conserved in available vertebrate species. In silico splice site analysis predicts that this alteration will not have any significant effect on splicing. Based on the available evidence, the clinical significance of this variant remains unclear.